The following is an entry in ClinVar:

NM_000297.4(PKD2):c.2326C>T (p.Gln776Ter)

Gene: PKD2 (polycystin 2, transient receptor potential cation channel; plus strand). Cytogenetic location: 4q22.1.
Variant type: single nucleotide variant.
Coding change: c.2326C>T on transcript NM_000297.4 (MANE Select); coding-DNA position 2326, C replaced by T.
Protein change: p.Gln776Ter; replaces glutamine 776 with a stop codon.
Molecular consequence: nonsense. On other transcripts: non-coding transcript variant (1).
Genome position (GRCh38, 1-based): chr4:88,065,847, C>T. VCF-style: chr4-88065847-C-T. GRCh37 (hg19) VCF-style: chr4-88986999-C-T.
Other names: short protein forms Q776*.
Identifiers: ClinVar variation 3609132 (VCV003609132.2).

ClinVar aggregate classification (germline): Pathogenic (1 of 4 stars; one submission).

Conditions:
Autosomal dominant polycystic kidney disease. Identifiers: Orphanet 730, MedGen C0085413, MONDO:0004691.

Submission:

Labcorp Genetics (formerly Invitae), Labcorp
Classification: Pathogenic for Autosomal dominant polycystic kidney disease. Last evaluated: 2024-07-01. Review status: criteria provided, single submitter. Criteria: Invitae Variant Classification Sherloc (09022015). Collection method: clinical testing. Allele origin: germline.
Comment: This sequence change creates a premature translational stop signal (p.Gln776*) in the PKD2 gene. It is expected to result in an absent or disrupted protein product. Loss-of-function variants in PKD2 are known to be pathogenic (PMID: 17582161, 22863349). This variant is not present in population databases (gnomAD no frequency). This premature translational stop signal has been observed in individual(s) with polycystic kidney disease (PMID: 31740684). Algorithms developed to predict the effect of sequence changes on RNA splicing suggest that this variant may disrupt the consensus splice site. For these reasons, this variant has been classified as Pathogenic.

Literature cited by the submitters: PubMed 17582161; PubMed 22863349; PubMed 31740684.